The following is an entry in ClinVar:

ClinVar aggregate classification (germline): Uncertain significance (1 of 4 stars; one submission).

Submission:

Ambry Genetics
Classification: Uncertain significance. Last evaluated: 2025-04-18. Review status: criteria provided, single submitter. Criteria: Ambry Variant Classification Scheme 2023. Collection method: clinical testing. Allele origin: germline.
Comment: The p.E497K variant (also known as c.1489G>A), located in coding exon 15 of the SRP72 gene, results from a G to A substitution at nucleotide position 1489. The glutamic acid at codon 497 is replaced by lysine, an amino acid with similar properties. This amino acid position is conserved. In addition, this alteration is predicted to be tolerated by in silico analysis. Based on the available evidence, the clinical significance of this variant remains unclear.

NM_006947.4(SRP72):c.1489G>A (p.Glu497Lys)

Gene: SRP72 (signal recognition particle 72; plus strand). Cytogenetic location: 4q12.
Variant type: single nucleotide variant.
Coding change: c.1489G>A on transcript NM_006947.4 (MANE Select); coding-DNA position 1489, G replaced by A.
Protein change: p.Glu497Lys; replaces glutamic acid 497 with lysine.
Molecular consequence: missense variant. On other transcripts: non-coding transcript variant (1).
Genome position (GRCh38, 1-based): chr4:56,490,632, G>A. VCF-style: chr4-56490632-G-A. GRCh37 (hg19) VCF-style: chr4-57356798-G-A.
Other names: c.1306G>A, p.Glu436Lys (NM_001267722.2); short protein forms E436K, E497K.
Identifiers: ClinVar variation 3962073 (VCV003962073.1).